The following is an entry in ClinVar:

ClinVar aggregate classification (germline): Uncertain significance. Review status: criteria provided, multiple submitters, no conflicts (2 of 4 stars). 3 submissions from 3 submitters: Uncertain significance (3). Last evaluated 2025-07-03.

Conditions:
Inborn genetic diseases. Identifiers: MedGen C0950123, MeSH D030342.
Long chain 3-hydroxyacyl-CoA dehydrogenase deficiency. Also called: LCHAD Deficiency; Deficiency of long-chain 3-hydroxyacyl-coenzyme A dehydrogenase. Identifiers: Orphanet 5, MedGen C3711645, MONDO:0012173, OMIM 609016.
Mitochondrial trifunctional protein deficiency. Identifiers: Orphanet 746, MedGen C1969443, MONDO:0012172.

Allele frequency attached by ClinVar (database versions not stated): ExAC 0.00001; gnomAD exomes 0.00002; gnomAD 0.00003 and 0.00004; TOPMed 0.00006.
gnomAD v4.1: 18 of 1,612,406 alleles (0.0011%); highest among the groups gnomAD compares: Admixed American, 0.015%; no homozygotes.

Submissions (3):

GeneDx
Classification: Uncertain significance. Last evaluated: 2025-07-03. Review status: criteria provided, single submitter. Criteria: GeneDx Variant Classification Process June 2021. Collection method: clinical testing. Allele origin: germline. Affected: yes.
Comment: Not observed at significant frequency in large population cohorts (gnomAD); In silico analysis suggests that this missense variant does not alter protein structure/function; Has not been previously published as pathogenic or benign to our knowledge

Ambry Genetics
Classification: Uncertain significance for Inborn genetic diseases. Last evaluated: 2024-01-09. Review status: criteria provided, single submitter. Criteria: Ambry Variant Classification Scheme 2023. Collection method: clinical testing. Allele origin: germline.

Labcorp Genetics (formerly Invitae), Labcorp
Classification: Uncertain significance for Mitochondrial trifunctional protein deficiency; Long chain 3-hydroxyacyl-CoA dehydrogenase deficiency. Last evaluated: 2022-06-02. Review status: criteria provided, single submitter. Criteria: Invitae Variant Classification Sherloc (09022015). Collection method: clinical testing. Allele origin: germline.
Comment: This sequence change replaces alanine, which is neutral and non-polar, with aspartic acid, which is acidic and polar, at codon 108 of the HADHA protein (p.Ala108Asp). This variant is present in population databases (rs762296285, gnomAD 0.01%). This variant has not been reported in the literature in individuals affected with HADHA-related conditions. ClinVar contains an entry for this variant (Variation ID: 1506295). Advanced modeling of protein sequence and biophysical properties (such as structural, functional, and spatial information, amino acid conservation, physicochemical variation, residue mobility, and thermodynamic stability) performed at Invitae indicates that this missense variant is not expected to disrupt HADHA protein function. In summary, the available evidence is currently insufficient to determine the role of this variant in disease. Therefore, it has been classified as a Variant of Uncertain Significance.

NM_000182.5(HADHA):c.323C>A (p.Ala108Asp)

Gene: HADHA (hydroxyacyl-CoA dehydrogenase trifunctional multienzyme complex subunit alpha; minus strand). Cytogenetic location: 2p23.3.
Variant type: single nucleotide variant.
Coding change: c.323C>A on transcript NM_000182.5 (MANE Select); coding-DNA position 323, C replaced by A.
Protein change: p.Ala108Asp; replaces alanine 108 with aspartic acid.
Molecular consequence: missense variant.
Genome position (GRCh38, 1-based): chr2:26,234,347, G>T on the plus strand (C>A on the coding strand, the complement: HADHA is on the minus strand). VCF-style: chr2-26234347-G-T. GRCh37 (hg19) VCF-style: chr2-26457215-G-T.
Other names: c.323C>A (NM_000182.4); short protein forms A108D.
Identifiers: ClinVar variation 1506295 (VCV001506295.7), dbSNP rs762296285, ClinGen allele CA1559902.
Genomic context (GRCh38, chr2:26,234,347, plus strand): 5'-TCAACTATTCTCTGTGCTTCTTGTGATAGCTGTGTTACTTCTTGAAGGGTCTTGCAAGCG[G>T]CTAACATGCTGCATTATCCATAAAAGTAGAGAACAGAGAAAAAGATAAAACTATAATTTA-3'
Protein context (NP_000173.2, residues 98-118): FIAGADINML[Ala108Asp]ACKTLQEVTQ